The following is an entry in ClinVar:

ClinVar aggregate classification (germline): Uncertain significance. Review status: criteria provided, multiple submitters, no conflicts (2 of 4 stars). 2 submissions from 2 submitters: Uncertain significance (2). Last evaluated 2024-09-04.

Allele frequency attached by ClinVar (database versions not stated): ExAC 0.00001.
gnomAD v4.1: 30 of 1,612,768 alleles (0.0019%); highest among the groups gnomAD compares: Non-Finnish European, 0.0025%; no homozygotes.

Submissions (2):

Blueprint Genetics
Classification: Uncertain significance. Last evaluated: 2024-09-04. Review status: criteria provided, single submitter. Criteria: ACMG Guidelines, 2015. Collection method: clinical testing. Allele origin: germline.

Labcorp Genetics (formerly Invitae), Labcorp
Classification: Uncertain significance. Last evaluated: 2023-12-10. Review status: criteria provided, single submitter. Criteria: Invitae Variant Classification Sherloc (09022015). Collection method: clinical testing. Allele origin: germline.
Comment: This sequence change replaces arginine, which is basic and polar, with glutamine, which is neutral and polar, at codon 651 of the COL11A1 protein (p.Arg651Gln). This variant is present in population databases (rs763512720, gnomAD 0.002%). This variant has not been reported in the literature in individuals affected with COL11A1-related conditions. Advanced modeling of protein sequence and biophysical properties (such as structural, functional, and spatial information, amino acid conservation, physicochemical variation, residue mobility, and thermodynamic stability) has been performed at Invitae for this missense variant, however the output from this modeling did not meet the statistical confidence thresholds required to predict the impact of this variant on COL11A1 protein function. In summary, the available evidence is currently insufficient to determine the role of this variant in disease. Therefore, it has been classified as a Variant of Uncertain Significance.

NM_001854.4(COL11A1):c.1952G>A (p.Arg651Gln)

Gene: COL11A1 (collagen type XI alpha 1 chain; minus strand). Cytogenetic location: 1p21.1.
Variant type: single nucleotide variant.
Coding change: c.1952G>A on transcript NM_001854.4 (MANE Select); coding-DNA position 1952, G replaced by A.
Protein change: p.Arg651Gln; replaces arginine 651 with glutamine.
Molecular consequence: missense variant. On other transcripts: non-coding transcript variant (1).
Genome position (GRCh38, 1-based): chr1:103,003,261, C>T on the plus strand (G>A on the coding strand, the complement: COL11A1 is on the minus strand). VCF-style: chr1-103003261-C-T. GRCh37 (hg19) VCF-style: chr1-103468817-C-T.
Other names: c.1604G>A, p.Arg535Gln (NM_001168249.1, NM_080630.4); c.1835G>A, p.Arg612Gln (NM_001190709.2); c.1988G>A, p.Arg663Gln (NM_080629.3); short protein forms R663Q, R612Q, R535Q, R651Q.
Identifiers: ClinVar variation 2977190 (VCV002977190.4), dbSNP rs763512720, ClinGen allele CA974720.